The following is an entry in ClinVar:

ClinVar aggregate classification (germline): Likely benign (1 of 4 stars; one submission).

Submission:

CeGaT Center for Human Genetics Tuebingen
Classification: Likely benign. Last evaluated: 2026-09-01. Review status: criteria provided, single submitter. Criteria: CeGaT Center For Human Genetics Tuebingen Variant Classification Criteria Version 2. Collection method: clinical testing. Allele origin: germline. Affected: yes. Observed: 4 variant alleles.
Comment: SPATA31H1: BP4, BP7

NM_032266.5(SPATA31H1):c.15138T>A (p.Ser5046=)

Gene: SPATA31H1 (SPATA31 subfamily H member 1; plus strand). Cytogenetic location: 2p23.3.
Variant type: single nucleotide variant.
Coding change: c.15138T>A on transcript NM_032266.5 (MANE Select); coding-DNA position 15138, T replaced by A.
Protein change: p.Ser5046=; no amino-acid change (serine 5046 retained).
Molecular consequence: synonymous variant.
Genome position (GRCh38, 1-based): chr2:27,581,498, T>A. VCF-style: chr2-27581498-T-A. GRCh37 (hg19) VCF-style: chr2-27804365-T-A.
Identifiers: ClinVar variation 4083550 (VCV004083550.8).
Genomic context (GRCh38, chr2:27,581,498, plus strand): 5'-TCACAGTCTCTCTGAAAGGGGCCTTCACAGTCCCTCTCAGAGGAGCCATCGCGGTCCCTC[T>A]CAGAGAAGACATCACAGTCCCTCAGAGAGAAGCCATCGCAGTCCCTCAGAGAGAAGCCAT-3'
Protein context (NP_115642.4, residues 5036-5056): SPSQRSHRGP[Ser5046=]QRRHHSPSER